The following is an entry in ClinVar:

NM_006393.3(NEBL):c.-20A>G

Gene: NEBL (nebulette; minus strand). Cytogenetic location: 10p12.31.
Variant type: single nucleotide variant.
Coding change: c.-20A>G on transcript NM_006393.3 (MANE Select); 20 bases upstream of the start codon, A replaced by G.
Molecular consequence: 5 prime UTR variant. On other transcripts: intron variant (9).
Genome position (GRCh38, 1-based): chr10:20,897,225, T>C on the plus strand (A>G on the coding strand, the complement: NEBL is on the minus strand). VCF-style: chr10-20897225-T-C. GRCh37 (hg19) VCF-style: chr10-21186154-T-C.
Other names: c.249+64447A>G (NM_001377326.1, NM_001377327.1, NM_001377328.1); c.357+64447A>G (NM_213569.2, NM_001173484.2, NM_001377322.1); c.300+64447A>G (NM_001377324.1); c.291+64447A>G (NM_001377325.1); c.309+64447A>G (NM_001377323.1).
Identifiers: ClinVar variation 514898 (VCV000514898.1), dbSNP rs766280453, ClinGen allele CA5433426.

ClinVar aggregate classification (germline): Likely benign (1 of 4 stars; one submission).

Allele frequency attached by ClinVar (database versions not stated): ExAC 0.00004.
gnomAD v4.1: 1 of 1,542,108 alleles (0.000065%); highest among the groups gnomAD compares: Non-Finnish European, 0.000087%; no homozygotes.

Submission:

GeneDx
Classification: Likely benign. Last evaluated: 2018-02-01. Review status: criteria provided, single submitter. Criteria: GeneDx Variant Classification (06012015). Collection method: clinical testing. Allele origin: germline. Affected: yes.
Comment: This variant is considered likely benign or benign based on one or more of the following criteria: it is a conservative change, it occurs at a poorly conserved position in the protein, it is predicted to be benign by multiple in silico algorithms, and/or has population frequency not consistent with disease.